The following is an entry in ClinVar:

ClinVar aggregate classification (germline): Uncertain significance. Review status: criteria provided, multiple submitters, no conflicts (2 of 4 stars). 2 submissions from 2 submitters: Uncertain significance (2). Last evaluated 2025-07-19.

Allele frequency attached by ClinVar (database versions not stated): gnomAD 0.00001; TOPMed 0.00001.
gnomAD v4.1: 1 of 1,582,302 alleles (0.000063%); highest among the groups gnomAD compares: Non-Finnish European, 0.000087%; no homozygotes.

Submissions (2):

Ambry Genetics
Classification: Uncertain significance. Last evaluated: 2025-07-19. Review status: criteria provided, single submitter. Criteria: Ambry Variant Classification Scheme 2023. Collection method: clinical testing. Allele origin: germline.
Comment: The p.V403L variant (also known as c.1207G>C), located in coding exon 11 of the GEN1 gene, results from a G to C substitution at nucleotide position 1207. The valine at codon 403 is replaced by leucine, an amino acid with highly similar properties. This amino acid position is conserved. In addition, this alteration is predicted to be tolerated by in silico analysis. Based on the available evidence, the clinical significance of this variant remains unclear.

Labcorp Genetics (formerly Invitae), Labcorp
Classification: Uncertain significance. Last evaluated: 2020-04-07. Review status: criteria provided, single submitter. Criteria: Invitae Variant Classification Sherloc (09022015). Collection method: clinical testing. Allele origin: germline.
Comment: This sequence change replaces valine with leucine at codon 403 of the GEN1 protein (p.Val403Leu). The valine residue is moderately conserved and there is a small physicochemical difference between valine and leucine. This variant is not present in population databases (ExAC no frequency). In summary, the available evidence is currently insufficient to determine the role of this variant in disease. Therefore, it has been classified as a Variant of Uncertain Significance. This variant has not been reported in the literature in individuals with GEN1-related conditions. Algorithms developed to predict the effect of missense changes on protein structure and function (SIFT, PolyPhen-2, Align-GVGD) all suggest that this variant is likely to be tolerated, but these predictions have not been confirmed by published functional studies and their clinical significance is uncertain.

NM_001130009.3(GEN1):c.1207G>C (p.Val403Leu)

Gene: GEN1 (GEN1 structure-specific endonuclease; plus strand). Cytogenetic location: 2p24.2.
Variant type: single nucleotide variant.
Coding change: c.1207G>C on transcript NM_001130009.3 (MANE Select); coding-DNA position 1207, G replaced by C.
Protein change: p.Val403Leu; replaces valine 403 with leucine.
Molecular consequence: missense variant.
Genome position (GRCh38, 1-based): chr2:17,778,006, G>C. VCF-style: chr2-17778006-G-C. GRCh37 (hg19) VCF-style: chr2-17959273-G-C.
Other names: c.1207G>C, p.Val403Leu (NM_182625.5); c.1207G>C (NM_001130009.1); short protein forms V403L.
Identifiers: ClinVar variation 1008893 (VCV001008893.9), dbSNP rs1204822002, ClinGen allele CA345921905.